The following is an entry in ClinVar:

NM_001080414.4(CCDC88C):c.4384G>A (p.Ala1462Thr)

Gene: CCDC88C (coiled-coil domain containing 88C; minus strand). Cytogenetic location: 14q32.11.
Variant type: single nucleotide variant.
Coding change: c.4384G>A on transcript NM_001080414.4 (MANE Select); coding-DNA position 4384, G replaced by A.
Protein change: p.Ala1462Thr; replaces alanine 1462 with threonine.
Molecular consequence: missense variant.
Genome position (GRCh38, 1-based): chr14:91,289,162, C>T on the plus strand (G>A on the coding strand, the complement: CCDC88C is on the minus strand). VCF-style: chr14-91289162-C-T. GRCh37 (hg19) VCF-style: chr14-91755506-C-T.
Other names: short protein forms A1462T.
Identifiers: ClinVar variation 2073184 (VCV002073184.3), dbSNP rs200081065, ClinGen allele CA7309026.
Genomic context (GRCh38, chr14:91,289,162, plus strand): 5'-TACCTTTCCCCACAGACCCGTTGTGGGCGTCGCGCTCTTCTGCACAGTTGGAGCCCAGTG[C>T]GGGGGTGTCGGGGTTCTCGGCCTGTGATCTGAGCGGCTGAGAGGCCGCCGGCGAGGCGGG-3'
Protein context (NP_001073883.2, residues 1452-1472): RSQAENPDTP[Ala1462Thr]LGSNCAEERD

ClinVar aggregate classification (germline): Conflicting classifications of pathogenicity. Review status: criteria provided, conflicting classifications (1 of 4 stars). 2 submissions from 2 submitters: Uncertain significance (1); Likely benign (1). Last evaluated 2025-03-07.

Conditions:
Inborn genetic diseases. Identifiers: MedGen C0950123, MeSH D030342.

Allele frequency attached by ClinVar (database versions not stated): ExAC 0.00035; ESP Exome Variant Server 0.00050.
gnomAD v4.1: 829 of 1,613,592 alleles (0.051%); highest among the groups gnomAD compares: Middle Eastern, 0.12%; 1 homozygote.

Submissions (2):

Ambry Genetics
Classification: Likely benign for Inborn genetic diseases. Last evaluated: 2025-03-07. Review status: criteria provided, single submitter. Criteria: Ambry Variant Classification Scheme 2023. Collection method: clinical testing. Allele origin: germline.

Labcorp Genetics (formerly Invitae), Labcorp
Classification: Uncertain significance. Last evaluated: 2022-05-27. Review status: criteria provided, single submitter. Criteria: Invitae Variant Classification Sherloc (09022015). Collection method: clinical testing. Allele origin: germline.
Comment: This sequence change replaces alanine, which is neutral and non-polar, with threonine, which is neutral and polar, at codon 1462 of the CCDC88C protein (p.Ala1462Thr). This variant is present in population databases (rs200081065, gnomAD 0.06%). This variant has not been reported in the literature in individuals affected with CCDC88C-related conditions. Algorithms developed to predict the effect of missense changes on protein structure and function output the following: SIFT: "Tolerated"; PolyPhen-2: "Benign"; Align-GVGD: "Class C0". The threonine amino acid residue is found in multiple mammalian species, which suggests that this missense change does not adversely affect protein function. In summary, the available evidence is currently insufficient to determine the role of this variant in disease. Therefore, it has been classified as a Variant of Uncertain Significance.

Literature cited by the submitters: PubMed 36413997 (cited by Ambry Genetics).